The following is an entry in ClinVar:

NM_000059.4(BRCA2):c.6468dup (p.Gln2157fs)

Gene: BRCA2 (BRCA2 DNA repair associated; plus strand). Cytogenetic location: 13q13.1.
Variant type: Duplication.
Coding change: c.6468dup on transcript NM_000059.4 (MANE Select); coding-DNA position 6468, one base duplicated (T; older notation c.6468dupT).
Protein change: p.Gln2157fs; shifts the reading frame from glutamine 2157.
Molecular consequence: frameshift variant.
Genome position (GRCh38, 1-based): chr13:32,340,823, T duplicated. VCF-style (leftmost placement, unchanged base first): chr13-32340822-C-CT. GRCh37 (hg19) VCF-style: chr13-32914959-C-CT.
Other names: c.6468dup, p.Gln2157Serfs (NM_001406719.1, NM_001406720.1); c.6468dupT (NM_000059.3); short protein forms Q2157fs.
Identifiers: ClinVar variation 1753689 (VCV001753689.2), dbSNP rs2548533399, ClinGen allele CA2580087914.

ClinVar aggregate classification (germline): Pathogenic (1 of 4 stars; one submission).

Conditions:
Hereditary cancer-predisposing syndrome. Also called: Neoplastic Syndromes, Hereditary; Tumor predisposition; Hereditary Cancer Syndrome; Hereditary neoplastic syndrome. Identifiers: Orphanet 140162, MedGen C0027672, MeSH D009386, MONDO:0015356.

Submission:

Ambry Genetics
Classification: Pathogenic for Hereditary cancer-predisposing syndrome. Last evaluated: 2021-03-29. Review status: criteria provided, single submitter. Criteria: Ambry Variant Classification Scheme 2023. Collection method: clinical testing. Allele origin: germline.
Comment: The c.6468dupT pathogenic mutation, located in coding exon 10 of the BRCA2 gene, results from a duplication of T at nucleotide position 6468, causing a translational frameshift with a predicted alternate stop codon (p.Q2157Sfs*19). This alteration is expected to result in loss of function by premature protein truncation or nonsense-mediated mRNA decay. As such, this alteration is interpreted as a disease-causing mutation.